The following is an entry in ClinVar:

NM_004722.4(AP4M1):c.1318G>C (p.Val440Leu)

Gene: AP4M1 (adaptor related protein complex 4 subunit mu 1; plus strand). Cytogenetic location: 7q22.1.
Variant type: single nucleotide variant.
Coding change: c.1318G>C on transcript NM_004722.4 (MANE Select); coding-DNA position 1318, G replaced by C.
Protein change: p.Val440Leu; replaces valine 440 with leucine.
Molecular consequence: missense variant.
Genome position (GRCh38, 1-based): chr7:100,106,838, G>C. VCF-style: chr7-100106838-G-C. GRCh37 (hg19) VCF-style: chr7-99704461-G-C.
Other names: c.1339G>C, p.Val447Leu (NM_001363671.2); short protein forms V440L, V447L.
Identifiers: ClinVar variation 1695830 (VCV001695830.7), dbSNP rs775699151, ClinGen allele CA4375066.

ClinVar aggregate classification (germline): Uncertain significance. Review status: criteria provided, multiple submitters, no conflicts (2 of 4 stars). 3 submissions from 3 submitters: Uncertain significance (3). Last evaluated 2025-10-07.

Conditions:
Hereditary spastic paraplegia 50 (SPG50). Also called: Spastic paraplegia 50, autosomal recessive. Identifiers: Orphanet 280763, MedGen C2752008, MONDO:0013048, OMIM 612936.
Inborn genetic diseases. Identifiers: MedGen C0950123, MeSH D030342.

Allele frequency attached by ClinVar (database versions not stated): ExAC 0.00002; gnomAD 0.00002; gnomAD exomes 0.00003 and 0.00004; TOPMed 0.00004.
gnomAD v4.1: 22 of 1,613,816 alleles (0.0014%); highest among the groups gnomAD compares: Admixed American, 0.03%; no homozygotes.

Submissions (3):

Ambry Genetics
Classification: Uncertain significance for Inborn genetic diseases. Last evaluated: 2025-10-07. Review status: criteria provided, single submitter. Criteria: Ambry Variant Classification Scheme 2023. Collection method: clinical testing. Allele origin: germline.

Labcorp Genetics (formerly Invitae), Labcorp
Classification: Uncertain significance for Hereditary spastic paraplegia 50. Last evaluated: 2022-05-27. Review status: criteria provided, single submitter. Criteria: Invitae Variant Classification Sherloc (09022015). Collection method: clinical testing. Allele origin: germline.
Comment: This sequence change replaces valine, which is neutral and non-polar, with leucine, which is neutral and non-polar, at codon 440 of the AP4M1 protein (p.Val440Leu). This variant is present in population databases (rs775699151, gnomAD 0.03%). This variant has not been reported in the literature in individuals affected with AP4M1-related conditions. Algorithms developed to predict the effect of missense changes on protein structure and function are either unavailable or do not agree on the potential impact of this missense change (SIFT: "Deleterious"; PolyPhen-2: "Benign"; Align-GVGD: "Class C0"). In summary, the available evidence is currently insufficient to determine the role of this variant in disease. Therefore, it has been classified as a Variant of Uncertain Significance.

GeneDx
Classification: Uncertain significance. Last evaluated: 2022-01-05. Review status: criteria provided, single submitter. Criteria: GeneDx Variant Classification Process June 2021. Collection method: clinical testing. Allele origin: germline. Affected: yes.
Comment: In silico analysis supports that this missense variant has a deleterious effect on protein structure/function; Has not been previously published as pathogenic or benign to our knowledge